The following is an entry in ClinVar:

NM_000179.3(MSH6):c.1082G>A (p.Arg361His)

Gene: MSH6 (mutS homolog 6; plus strand). Cytogenetic location: 2p16.3.
Variant type: single nucleotide variant.
Coding change: c.1082G>A on transcript NM_000179.3 (MANE Select); coding-DNA position 1082, G replaced by A.
Protein change: p.Arg361His; replaces arginine 361 with histidine.
Molecular consequence: missense variant.
Genome position (GRCh38, 1-based): chr2:47,799,065, G>A. VCF-style: chr2-47799065-G-A. GRCh37 (hg19) VCF-style: chr2-48026204-G-A.
Other names: c.692G>A, p.Arg231His (NM_001281492.2); c.176G>A, p.Arg59His (NM_001281493.2, NM_001281494.2); short protein forms R361H, R231H, R59H.
Identifiers: ClinVar variation 89168 (VCV000089168.61), dbSNP rs63750440, ClinGen allele CA007978.
Genomic context (GRCh38, chr2:47,799,065, plus strand): 5'-CTGCCCCTCAAAATTCTGAATCCCAAGCCCACGTTAGTGGAGGTGGTGATGACAGTAGTC[G>A]CCCTACTGTTTGGTATCATGAAACTTTAGAATGGCTTAAGGAGGAAAAGAGAAGAGATGA-3'
Protein context (NP_000170.1, residues 351-371): HVSGGGDDSS[Arg361His]PTVWYHETLE

ClinVar aggregate classification (germline): Conflicting classifications of pathogenicity. Review status: criteria provided, conflicting classifications (1 of 4 stars). 12 submissions from 12 submitters: Uncertain significance (8); Benign (1); Likely benign (1). 2 of the submissions do not count toward it. Last evaluated 2026-04-16.

Conditions:
MSH6-related disorder. Also called: MSH6-related condition; MSH6-Related disorders.
Hereditary nonpolyposis colorectal neoplasms. Identifiers: MedGen C0009405, MeSH D003123.
Hereditary cancer-predisposing syndrome. Also called: Hereditary Cancer Syndrome; Neoplastic Syndromes, Hereditary; Hereditary neoplastic syndrome; Tumor predisposition. Identifiers: Orphanet 140162, MedGen C0027672, MeSH D009386, MONDO:0015356.
Lynch syndrome. Identifiers: Orphanet 144, MedGen C4552100, MONDO:0005835. Disease mechanism: loss of function.
Lynch syndrome 5 (LYNCH5). Also called: Colorectal cancer, hereditary nonpolyposis, type 5; Hereditary non-polyposis colorectal cancer, type 5. Identifiers: Orphanet 144, MedGen C1833477, MONDO:0013710, OMIM 614350. Disease mechanism: loss of function.
Endometrial carcinoma. Also called: Endometrial carcinoma, somatic. Identifiers: MedGen C0476089, MONDO:0002447, OMIM 608089, HP:0012114.

Allele frequency attached by ClinVar (database versions not stated): ExAC 0.00001; gnomAD exomes 0.00002; TOPMed 0.00001.
gnomAD v4.1: 29 of 1,614,072 alleles (0.0018%); highest among the groups gnomAD compares: East Asian, 0.0022%; no homozygotes.

Submissions (12):

Hema, HEMA – Genetic and Molecular Diagnostic Laboratory
Classification: Uncertain significance for Lynch syndrome. Last evaluated: 2026-04-16. Review status: criteria provided, single submitter. Criteria: HEMA Variant Classification Assertion Criteria. Collection method: clinical testing. Allele origin: germline.
Comment: The c.1082G>A p.(Arg361His) variant is a transition from guanine to adenine, resulting in the substitution of arginine 361 with histidine. PM2_Supporting: The variant is found at very low frequency in gnomAD v4.1.1. BP4: Prior probability of pathogenicity score MAPP/PP2 = 0.0055 < 0.11.

Labcorp Genetics (formerly Invitae), Labcorp
Classification: Benign for Hereditary nonpolyposis colorectal neoplasms. Last evaluated: 2026-01-26. Review status: criteria provided, single submitter. Criteria: Invitae Variant Classification Sherloc (09022015). Collection method: clinical testing. Allele origin: germline.

Color Diagnostics, LLC DBA Color Health
Classification: Uncertain significance for Hereditary cancer-predisposing syndrome. Last evaluated: 2025-04-28. Review status: criteria provided, single submitter. Criteria: ACMG Guidelines, 2015. Collection method: clinical testing. Allele origin: germline.
Comment: This missense variant replaces arginine with histidine at codon 361 of the MSH6 protein. Computational prediction suggests that this variant may not impact protein structure and function. To our knowledge, functional studies have not been reported for this variant. This variant has been reported in an individual affected with hepatic carcinoma and gastric cancer (PMID: 17498565). This variant has been identified in 4/251054 chromosomes in the general population by the Genome Aggregation Database (gnomAD). The available evidence is insufficient to determine the role of this variant in disease conclusively. Therefore, this variant is classified as a Variant of Uncertain Significance.

Ambry Genetics
Classification: Likely benign for Hereditary cancer-predisposing syndrome. Last evaluated: 2024-02-01. Review status: criteria provided, single submitter. Criteria: Ambry Variant Classification Scheme 2023. Collection method: clinical testing. Allele origin: germline.

All of Us Research Program, National Institutes of Health
Classification: Uncertain significance for Lynch syndrome. Last evaluated: 2023-12-01. Review status: criteria provided, single submitter. Criteria: ACMG Guidelines, 2015. Collection method: clinical testing. Allele origin: germline. Inheritance: Autosomal dominant inheritance. Observed: 6 variant alleles, 6 heterozygotes.
Comment: This missense variant replaces arginine with histidine at codon 361 of the MSH6 protein. Computational prediction suggests that this variant may not impact protein structure and function (internally defined REVEL score threshold <= 0.5, PMID: 27666373). To our knowledge, functional studies have not been reported for this variant. This variant has been reported in an individual affected with hepatic carcinoma and gastric cancer (PMID: 17498565). This variant has also been identified in 4/251054 chromosomes in the general population by the Genome Aggregation Database (gnomAD). The available evidence is insufficient to determine the role of this variant in disease conclusively. Therefore, this variant is classified as a Variant of Uncertain Significance.

This study involves interpretation of variants in research participants for the purpose of population health screening. Participant phenotype was not available at the time of variant classification. Additional details can be found in publication PMID: 35346344, PMCID: PMC8962531

Baylor Genetics
Classification: Uncertain significance for Endometrial carcinoma. Last evaluated: 2023-09-05. Review status: criteria provided, single submitter. Criteria: ACMG Guidelines, 2015. Collection method: clinical testing. Allele origin: unknown.

Myriad Genetics, Inc.
Classification: Uncertain significance for Lynch syndrome 5. Last evaluated: 2023-03-30. Review status: criteria provided, single submitter. Criteria: Myriad Autosomal Dominant, Autosomal Recessive and X-Linked Classification Criteria (2023). Collection method: clinical testing. Allele origin: unknown.
Comment: This variant is classified as a variant of uncertain significance as there is insufficient evidence to determine its impact on protein function and/or cancer risk.

CeGaT Center for Human Genetics Tuebingen
Classification: Uncertain significance. Last evaluated: 2022-09-01. Review status: criteria provided, single submitter. Criteria: CeGaT Center For Human Genetics Tuebingen Variant Classification Criteria Version 2. Collection method: clinical testing. Allele origin: germline. Affected: yes. Observed: 1 variant allele.
Comment: MSH6: PM2, BP4

University of Washington Department of Laboratory Medicine, University of Washington
Classification: Uncertain significance for Lynch syndrome. Last evaluated: 2018-05-01. Review status: criteria provided, single submitter. Criteria: Shirts BH et al. (Am J Hum Genet 2018). Collection method: clinical testing. Allele origin: somatic. Affected: yes.
Comment: MSH6 NM_000179.2:c.1082G>A has a 48.2% probability of pathogenicity based on combining prior probability from public data with likelihood ratios of 1.56, 1.56, and 0.16 to 1, generated from evidence of seeing this as a somatic mutation in three independent tumors two without loss of heterozygosity and one with loss of heterozygosity at the MSH6 locus. See Shirts et al 2018, PMID 29887214.

GeneDx
Classification: Uncertain significance. Last evaluated: 2018-01-12. Review status: criteria provided, single submitter. Criteria: GeneDx Variant Classification (06012015). Collection method: clinical testing. Allele origin: germline. Affected: yes.
Comment: This variant is denoted MSH6 c.1082G>A at the cDNA level, p.Arg361His (R361H) at the protein level, and results in the change of an Arginine to a Histidine (CGC>CAC). This variant was observed in an individual with a personal history of hepatic and gastric cancer (Koehler 2007). MSH6 Arg361His was not observed at a significant allele frequency in large population cohorts (Lek 2016). MSH6 Arg361His is located in the nuclear localization signals region (Gassman 2011). In silico analysis, which includes protein predictors and evolutionary conservation, supports that this variant does not alter protein structure/function. Based on currently available evidence, it is unclear whether MSH6 Arg361His is a pathogenic or benign variant. We consider it to be a variant of uncertain significance.

PreventionGenetics, part of Exact Sciences
Classification: Uncertain significance for MSH6-related condition. Last evaluated: 2024-04-19. Review status: no assertion criteria provided. Collection method: clinical testing. Allele origin: germline. Not counted in ClinVar's aggregate classification.
Comment: The MSH6 c.1082G>A variant is predicted to result in the amino acid substitution p.Arg361His. This variant was reported in a study of hereditary cancer variants in biliary tract cancer and was classified as a variant of uncertain significance (VUS) (Okawa et al. 2023. PubMed ID: 36243179, Supplementary Table 2). This variant is reported in 0.0054% of alleles in individuals of East Asian descent in gnomAD. In ClinVar, this variant was classified as VUS by the vast majority of the laboratories. At this time, the clinical significance of this variant is uncertain due to the absence of conclusive functional and genetic evidence.

Counsyl
Classification: Uncertain significance for Lynch syndrome 5. Last evaluated: 2016-08-05. Review status: no assertion criteria provided. Collection method: clinical testing. Allele origin: unknown. Not counted in ClinVar's aggregate classification.

Literature cited by the submitters: PubMed 17498565 (cited by 4 submitters); PubMed 26333163 (cited by Counsyl); PubMed 23621914 (cited by Counsyl); PubMed 22290698 (cited by Counsyl).